The following is an entry in ClinVar:

NM_032237.5(POMK):c.661T>C (p.Phe221Leu)

Gene: POMK (protein O-mannose kinase; plus strand). Cytogenetic location: 8p11.21.
Variant type: single nucleotide variant.
Coding change: c.661T>C on transcript NM_032237.5 (MANE Select); coding-DNA position 661, T replaced by C.
Protein change: p.Phe221Leu; replaces phenylalanine 221 with leucine.
Molecular consequence: missense variant.
Genome position (GRCh38, 1-based): chr8:43,122,485, T>C. VCF-style: chr8-43122485-T-C. GRCh37 (hg19) VCF-style: chr8-42977628-T-C.
Other names: c.661T>C, p.Phe221Leu (NM_001277971.2); short protein forms F221L.
Identifiers: ClinVar variation 971345 (VCV000971345.7), dbSNP rs1811941055, ClinGen allele CA371122385.

ClinVar aggregate classification (germline): Uncertain significance (1 of 4 stars; one submission).

Conditions:
Limb-girdle muscular dystrophy due to POMK deficiency. Also called: MUSCULAR DYSTROPHY-DYSTROGLYCANOPATHY, LIMB-GIRDLE, POMK-RELATED; Muscular dystrophy-dystroglycanopathy (limb-girdle), type c, 12. Identifiers: Orphanet 445110, MedGen C4015184, MONDO:0014489, OMIM 616094.
Muscular dystrophy-dystroglycanopathy (congenital with brain and eye anomalies), type a, 12 (MDDGA12). Also called: WALKER-WARBURG SYNDROME OR MUSCLE-EYE-BRAIN DISEASE, POMK-RELATED. Identifiers: Orphanet 899, MedGen C3808964, MONDO:0014101, OMIM 615249.

Submission:

Labcorp Genetics (formerly Invitae), Labcorp
Classification: Uncertain significance for Muscular dystrophy-dystroglycanopathy (congenital with brain and eye anomalies), type a, 12; Limb-girdle muscular dystrophy due to POMK deficiency. Last evaluated: 2020-01-01. Review status: criteria provided, single submitter. Criteria: Invitae Variant Classification Sherloc (09022015). Collection method: clinical testing. Allele origin: germline.
Comment: Algorithms developed to predict the effect of missense changes on protein structure and function output the following: SIFT: "Tolerated"; PolyPhen-2: "Benign"; Align-GVGD: "Class C0". The leucine amino acid residue is found in multiple mammalian species, suggesting that this missense change does not adversely affect protein function. These predictions have not been confirmed by published functional studies and their clinical significance is uncertain. In summary, the available evidence is currently insufficient to determine the role of this variant in disease. Therefore, it has been classified as a Variant of Uncertain Significance. This sequence change replaces phenylalanine with leucine at codon 221 of the POMK protein (p.Phe221Leu). The phenylalanine residue is highly conserved and there is a small physicochemical difference between phenylalanine and leucine. This variant is not present in population databases (ExAC no frequency). This variant has not been reported in the literature in individuals with POMK-related conditions.